The following is an entry in ClinVar:

ClinVar aggregate classification (germline): Uncertain significance (1 of 4 stars; one submission).

Conditions:
Mucopolysaccharidosis type 7 (MPS7). Also called: SLY SYNDROME; MPS VII; BETA-GLUCURONIDASE DEFICIENCY; GUSB DEFICIENCY. Identifiers: Orphanet 584, MedGen C0085132, MONDO:0009662, OMIM 253220.

Allele frequency attached by ClinVar (database versions not stated): gnomAD exomes below 0.00001; gnomAD 0.00001; TOPMed 0.00001.
gnomAD v4.1: 9 of 1,614,056 alleles (0.00056%); highest among the groups gnomAD compares: Non-Finnish European, 0.00076%; no homozygotes.

Submission:

Labcorp Genetics (formerly Invitae), Labcorp
Classification: Uncertain significance for Mucopolysaccharidosis type 7. Last evaluated: 2022-02-20. Review status: criteria provided, single submitter. Criteria: Invitae Variant Classification Sherloc (09022015). Collection method: clinical testing. Allele origin: germline.
Comment: This sequence change replaces valine, which is neutral and non-polar, with methionine, which is neutral and non-polar, at codon 444 of the GUSB protein (p.Val444Met). This variant is not present in population databases (gnomAD no frequency). This variant has not been reported in the literature in individuals affected with GUSB-related conditions. Algorithms developed to predict the effect of missense changes on protein structure and function are either unavailable or do not agree on the potential impact of this missense change (SIFT: "Deleterious"; PolyPhen-2: "Probably Damaging"; Align-GVGD: "Class C0"). In summary, the available evidence is currently insufficient to determine the role of this variant in disease. Therefore, it has been classified as a Variant of Uncertain Significance.

NM_000181.4(GUSB):c.1330G>A (p.Val444Met)

Gene: GUSB (glucuronidase beta; minus strand). Cytogenetic location: 7q11.21.
Variant type: single nucleotide variant.
Coding change: c.1330G>A on transcript NM_000181.4 (MANE Select); coding-DNA position 1330, G replaced by A.
Protein change: p.Val444Met; replaces valine 444 with methionine.
Molecular consequence: missense variant. On other transcripts: non-coding transcript variant (1).
Genome position (GRCh38, 1-based): chr7:65,974,356, C>T on the plus strand (G>A on the coding strand, the complement: GUSB is on the minus strand). VCF-style: chr7-65974356-C-T. GRCh37 (hg19) VCF-style: chr7-65439343-C-T.
Other names: c.892G>A, p.Val298Met (NM_001284290.2); c.760G>A, p.Val254Met (NM_001293104.2); c.673G>A, p.Val225Met (NM_001293105.2); short protein forms V254M, V225M, V298M, V444M.
Identifiers: ClinVar variation 2194335 (VCV002194335.1), dbSNP rs1791414185, ClinGen allele CA367643507.
Genomic context (GRCh38, chr7:65,974,356, plus strand): 5'-TCAAGTAGTAGCCAGCAGATTCTAGGTGGGACGCAGGCTCGTTGGCCACAGACCACATCA[C>T]GACCGCGGGGTGGTTCTTGTCCCTACGCACCACTTCTTCCATCACCTGCATGTGGTGATG-3'
Protein context (NP_000172.2, residues 434-454): VRRDKNHPAV[Val444Met]MWSVANEPAS